The following is an entry in ClinVar:

ClinVar aggregate classification (germline): Likely benign. Review status: criteria provided, multiple submitters, no conflicts (2 of 4 stars). 2 submissions from 2 submitters: Likely benign (2). Last evaluated 2024-07-01.

Allele frequency attached by ClinVar (database versions not stated): gnomAD exomes below 0.00001; TOPMed below 0.00001.
gnomAD v4.1: 1 of 1,614,094 alleles (0.000062%); highest among the groups gnomAD compares: Non-Finnish European, 0.000085%; no homozygotes.

Submissions (2):

CeGaT Center for Human Genetics Tuebingen
Classification: Likely benign. Last evaluated: 2024-07-01. Review status: criteria provided, single submitter. Criteria: CeGaT Center For Human Genetics Tuebingen Variant Classification Criteria Version 2. Collection method: clinical testing. Allele origin: germline. Affected: yes. Observed: 1 variant allele.
Comment: SZT2: PM2:Supporting, BP4, BP7

Labcorp Genetics (formerly Invitae), Labcorp
Classification: Likely benign. Last evaluated: 2024-02-16. Review status: criteria provided, single submitter. Criteria: Invitae Variant Classification Sherloc (09022015). Collection method: clinical testing. Allele origin: germline.

NM_001365999.1(SZT2):c.9516T>C (p.Cys3172=)

Genes: SZT2 (SZT2 subunit of KICSTOR complex; plus strand), SZT2-AS1 (SZT2 antisense RNA 1; minus strand). Cytogenetic location: 1p34.2.
Variant type: single nucleotide variant.
Coding change: c.9516T>C on transcript NM_001365999.1 (MANE Select); coding-DNA position 9516, T replaced by C.
Protein change: p.Cys3172=; no amino-acid change (cysteine 3172 retained).
Molecular consequence: synonymous variant. On other transcripts: non-coding transcript variant (1).
Genome position (GRCh38, 1-based): chr1:43,447,924, T>C. VCF-style: chr1-43447924-T-C. GRCh37 (hg19) VCF-style: chr1-43913595-T-C.
Other names: c.9345T>C, p.Cys3115= (NM_015284.4); c.957T>C, p.Cys319= (NM_024547.1).
Identifiers: ClinVar variation 2795773 (VCV002795773.20), dbSNP rs1655880124, ClinGen allele CA417551712.